The following is an entry in ClinVar:

NM_001399.5(EDA):c.382del (p.Gln128fs)

Gene: EDA (ectodysplasin A; plus strand). Cytogenetic location: Xq13.1.
Variant type: Deletion.
Coding change: c.382del on transcript NM_001399.5 (MANE Select); coding-DNA position 382, one base deleted (C; older notation c.382delC).
Protein change: p.Gln128fs; shifts the reading frame from glutamine 128.
Molecular consequence: frameshift variant.
Genome position (GRCh38, 1-based): chrX:69,616,690, C deleted; the last of 3 consecutive C bases (chrX:69,616,688-69,616,690); deleting any one gives the same sequence. VCF-style (leftmost placement, unchanged base first): chrX-69616687-TC-T. GRCh37 (hg19) VCF-style: chrX-68836531-TC-T.
Other names: c.382del, p.Gln128fs (NM_001005609.2, NM_001005610.4, NM_001005612.3 and 1 more transcripts); c.382delC, p.Gln128Argfs (NM_001005615.1); short protein forms Q128fs.
Identifiers: ClinVar variation 3076008 (VCV003076008.1), dbSNP rs2519671247, ClinGen allele CA2825002960.
Genomic context (GRCh38, chrX:69,616,687, plus strand): 5'-GGGCAGCCGTCACCTAAGCAGCAGCCATTGGAACCGGGAGAAGCCGCACTCCACTCTGAC[TC>T]CCAGGACGGGCACCAGGTGAGTCACCTAGTAGGGGCGGCGGCGGCCCCCTCCCCTCGCGG-3'

ClinVar aggregate classification (germline): Pathogenic (1 of 4 stars; one submission).

Conditions:
Hypohidrotic X-linked ectodermal dysplasia (XHED). Also called: ECTODERMAL DYSPLASIA, HYPOHIDROTIC, 1; CST SYNDROME; Anhidrotic ectodermal dysplasia X-linked; Christ Siemens Touraine syndrome; ECTODERMAL DYSPLASIA 1, HYPOHIDROTIC, X-LINKED; ECTODERMAL DYSPLASIA 1, HYPOHIDROTIC/HAIR/TOOTH TYPE, X-LINKED. Identifiers: Orphanet 181, Orphanet 238468, MedGen C0162359, MONDO:0010585, OMIM 305100.

Submission:

Laboratory for Molecular Medicine, Mass General Brigham Personalized Medicine
Classification: Pathogenic for Hypohidrotic X-linked ectodermal dysplasia. Last evaluated: 2015-02-06. Review status: criteria provided, single submitter. Criteria: ACMG Guidelines, 2015. Collection method: clinical testing. Allele origin: germline.
Comment: The p.Gln128Argfs variant in EDA has not been previously reported in individuals or any other families with clinical features of X-linked hypohidrotic extodermal dysplasia (XLHED) and was absent from large population studies. This variant is predicted to cause a frameshift, which alters the protein’s amino acid sequence beginning at position 128 and leads to a premature termination codon 9 amino acids downstream. This alteration is then predicted to lead to a truncated or absent protein. Heterozygous loss of function of function of the EDA gene is an established disease mechanism in XLHED. In summary, this variant meets our criteria to be classified as pathogenic for XLHED in an X-linked manner.